The following is an entry in ClinVar:

ClinVar aggregate classification (germline): Likely pathogenic (1 of 4 stars; one submission).

Submission:

GeneDx
Classification: Likely pathogenic. Last evaluated: 2019-08-13. Review status: criteria provided, single submitter. Criteria: GeneDx Variant Classification Process June 2021. Collection method: clinical testing. Allele origin: germline. Affected: yes.
Comment: Not observed in large population cohorts (Lek et al., 2016); In silico analysis, which includes protein predictors and evolutionary conservation, supports a deleterious effect; Has not been previously published as pathogenic or benign to our knowledge

NM_001356.5(DDX3X):c.1219A>G (p.Arg407Gly)

Gene: DDX3X (DEAD-box helicase 3 X-linked; plus strand). Cytogenetic location: Xp11.4.
Variant type: single nucleotide variant.
Coding change: c.1219A>G on transcript NM_001356.5 (MANE Select); coding-DNA position 1219, A replaced by G.
Protein change: p.Arg407Gly; replaces arginine 407 with glycine.
Molecular consequence: missense variant. On other transcripts: non-coding transcript variant (1).
Genome position (GRCh38, 1-based): chrX:41,345,452, A>G. VCF-style: chrX-41345452-A-G. GRCh37 (hg19) VCF-style: chrX-41204705-A-G.
Other names: c.1219A>G, p.Arg407Gly (NM_001193416.3); c.1171A>G, p.Arg391Gly (NM_001193417.3); c.661A>G, p.Arg221Gly (NM_001363819.1); short protein forms R221G, R391G, R407G.
Identifiers: ClinVar variation 1198267 (VCV001198267.2), dbSNP rs2147356620, ClinGen allele CA412771827.
Genomic context (GRCh38, chrX:41,345,452, plus strand): 5'-TTTTTCTTTCAGATGCTGGCTCGTGATTTCTTAGATGAATATATCTTCTTGGCTGTAGGA[A>G]GAGTTGGCTCTACCTCTGAAAACATCACACAGAAAGTAGTTTGGGTGGAAGAATCAGACA-3'
Protein context (NP_001347.3, residues 397-417): LDEYIFLAVG[Arg407Gly]VGSTSENITQ